The following is an entry in ClinVar:

ClinVar aggregate classification (germline): Uncertain significance (1 of 4 stars; one submission).

Allele frequency attached by ClinVar (database versions not stated): gnomAD exomes below 0.00001 and 0.00001; gnomAD 0.00001; TOPMed 0.00002; ESP Exome Variant Server 0.00008.
gnomAD v4.1: 9 of 1,612,198 alleles (0.00056%); highest among the groups gnomAD compares: Non-Finnish European, 0.00076%; no homozygotes.

Submission:

Labcorp Genetics (formerly Invitae), Labcorp
Classification: Uncertain significance. Last evaluated: 2021-07-24. Review status: criteria provided, single submitter. Criteria: Invitae Variant Classification Sherloc (09022015). Collection method: clinical testing. Allele origin: germline.
Comment: This variant has not been reported in the literature in individuals affected with TUBGCP6-related conditions. This variant is not present in population databases (ExAC no frequency). This sequence change replaces histidine with glutamine at codon 763 of the TUBGCP6 protein (p.His763Gln). The histidine residue is weakly conserved and there is a small physicochemical difference between histidine and glutamine. Algorithms developed to predict the effect of missense changes on protein structure and function (SIFT, PolyPhen-2, Align-GVGD) all suggest that this variant is likely to be tolerated. In summary, the available evidence is currently insufficient to determine the role of this variant in disease. Therefore, it has been classified as a Variant of Uncertain Significance.

NM_020461.4(TUBGCP6):c.2289C>G (p.His763Gln)

Gene: TUBGCP6 (tubulin gamma complex component 6; minus strand). Cytogenetic location: 22q13.33.
Variant type: single nucleotide variant.
Coding change: c.2289C>G on transcript NM_020461.4 (MANE Select); coding-DNA position 2289, C replaced by G.
Protein change: p.His763Gln; replaces histidine 763 with glutamine.
Molecular consequence: missense variant.
Genome position (GRCh38, 1-based): chr22:50,222,574, G>C on the plus strand (C>G on the coding strand, the complement: TUBGCP6 is on the minus strand). VCF-style: chr22-50222574-G-C. GRCh37 (hg19) VCF-style: chr22-50661003-G-C.
Other names: short protein forms H763Q.
Identifiers: ClinVar variation 1509656 (VCV001509656.8), dbSNP rs146014314, ClinGen allele CA325462162.